The following continues an entry in ClinVar:

NM_007294.4(BRCA1):c.3228_3229del (p.Gly1077fs)

ClinVar aggregate classification (germline): Pathogenic. Pathogenic (1).

Submissions 26 to 28 of 28:

Research Molecular Genetics Laboratory, Women's College Hospital, University of Toronto
Classification: Pathogenic for Hereditary breast ovarian cancer syndrome. Last evaluated: 2014-01-31. Review status: no assertion criteria provided. Collection method: research. Allele origin: germline. Affected: yes. Study: The Canadian Open Genetics Repository (COGR). Not counted in ClinVar's aggregate classification.

Sharing Clinical Reports Project (SCRP)
Classification: Pathogenic for Breast-ovarian cancer, familial 1. Last evaluated: 2012-11-30. Review status: no assertion criteria provided. Collection method: clinical testing. Allele origin: germline. Not counted in ClinVar's aggregate classification.

Breast Cancer Information Core (BIC) (BRCA1)
Classification: Pathogenic for Breast-ovarian cancer, familial 1. Last evaluated: 2002-05-29. Review status: no assertion criteria provided. Collection method: clinical testing. Allele origin: germline. Affected: yes. Observed: 28 variant alleles. Not counted in ClinVar's aggregate classification.

Literature cited by the submitters: PubMed 14522380 (cited by 5 submitters); PubMed 15477862 (cited by 7 submitters); PubMed 17574839 (cited by 6 submitters); PubMed 18819001 (cited by 6 submitters); PubMed 18821011 (cited by 8 submitters); PubMed 22798144 (cited by 6 submitters); PubMed 26350514 (cited by 5 submitters); PubMed 26824983 (cited by Mayo Clinic Laboratories, Mayo Clinic and Ambry Genetics); PubMed 28637432 (cited by 4 submitters); PubMed 28724667 (cited by 4 submitters); PubMed 29161300 (cited by Mayo Clinic Laboratories, Mayo Clinic); PubMed 29470806 (cited by Mayo Clinic Laboratories, Mayo Clinic and Ambry Genetics); PubMed 32438681 (cited by Mayo Clinic Laboratories, Mayo Clinic and Ambry Genetics); PubMed 32854451 (cited by 4 submitters); PubMed 33403015 (cited by Mayo Clinic Laboratories, Mayo Clinic and Ambry Genetics); PubMed 34072659 (cited by Mayo Clinic Laboratories, Mayo Clinic and Quest Diagnostics Nichols Institute San Juan Capistrano); PubMed 35464868 (cited by Mayo Clinic Laboratories, Mayo Clinic); PubMed 20104584 (cited by 4 submitters); PubMed 11720839 (cited by 5 submitters); PubMed 16030099 (cited by Labcorp Genetics (formerly Invitae), Labcorp); PubMed 17591843 (cited by 4 submitters); PubMed 19837273 (cited by 3 submitters); PubMed 19941167 (cited by Labcorp Genetics (formerly Invitae), Labcorp); PubMed 24549055 (cited by 4 submitters); PubMed 14531499 (cited by 4 submitters); PubMed 27425403 (cited by 3 submitters); PubMed 28111427 (cited by Ambry Genetics); PubMed 29371908 (cited by 3 submitters); PubMed 29446198 (cited by 4 submitters); PubMed 29907814 (cited by Dasa); PubMed 32375709 (cited by Dasa); PubMed 21989022 (cited by Dasa); PubMed 11802209 (cited by Dasa); PubMed 33471991 (cited by Color Diagnostics, LLC DBA Color Health and All of Us Research Program, National Institutes of Health); PubMed 15340362 (cited by Women's Health and Genetics/Laboratory Corporation of America, LabCorp); PubMed 10660329 (cited by Women's Health and Genetics/Laboratory Corporation of America, LabCorp and Counsyl); DOI 10.3389/fgene.2022.834265 (cited by National Health Laboratory Service, Universitas Academic Hospital and University of the Free State); PubMed 24312913 (cited by Quest Diagnostics Nichols Institute San Juan Capistrano); PubMed 26295337 (cited by Quest Diagnostics Nichols Institute San Juan Capistrano).